The following is an entry in ClinVar:

ClinVar aggregate classification (germline): Uncertain significance (1 of 4 stars; one submission).

Conditions:
Familial adenomatous polyposis 2. Also called: MUTYH Polyposis; COLORECTAL ADENOMATOUS POLYPOSIS, AUTOSOMAL RECESSIVE; ADENOMAS, MULTIPLE COLORECTAL, AUTOSOMAL RECESSIVE; MUTYH-associated polyposis; MYH-associated polyposis; MUTYH-related attenuated familial adenomatous polyposis. Identifiers: Orphanet 220460, Orphanet 247798, MedGen C3272841, MONDO:0012041, OMIM 608456.

Allele frequency attached by ClinVar (database versions not stated): gnomAD 0.00001.

Submission:

Labcorp Genetics (formerly Invitae), Labcorp
Classification: Uncertain significance for Familial adenomatous polyposis 2. Last evaluated: 2022-03-08. Review status: criteria provided, single submitter. Criteria: Invitae Variant Classification Sherloc (09022015). Collection method: clinical testing. Allele origin: germline.
Comment: Algorithms developed to predict the effect of missense changes on protein structure and function (SIFT, PolyPhen-2, Align-GVGD) all suggest that this variant is likely to be disruptive. This variant has not been reported in the literature in individuals affected with MUTYH-related conditions. This variant is not present in population databases (gnomAD no frequency). This sequence change replaces methionine, which is neutral and non-polar, with arginine, which is basic and polar, at codon 201 of the MUTYH protein (p.Met201Arg). In summary, the available evidence is currently insufficient to determine the role of this variant in disease. Therefore, it has been classified as a Variant of Uncertain Significance.

NM_001048174.2(MUTYH):c.518T>G (p.Met173Arg)

Gene: MUTYH (mutY DNA glycosylase; minus strand). Cytogenetic location: 1p34.1.
Variant type: single nucleotide variant.
Coding change: c.518T>G on transcript NM_001048174.2 (MANE Select); coding-DNA position 518, T replaced by G.
Protein change: p.Met173Arg; replaces methionine 173 with arginine.
Molecular consequence: missense variant. On other transcripts: non-coding transcript variant (2).
Genome position (GRCh38, 1-based): chr1:45,332,662, A>C on the plus strand (T>G on the coding strand, the complement: MUTYH is on the minus strand). VCF-style: chr1-45332662-A-C. GRCh37 (hg19) VCF-style: chr1-45798334-A-C.
Other names: c.518T>G, p.Met173Arg (NM_001048171.2, NM_001048173.2, NM_001293195.2 and 6 more transcripts); c.521T>G, p.Met174Arg (NM_001048172.2, NM_001407071.1, NM_001407078.1 and 1 more transcripts); c.602T>G, p.Met201Arg (NM_001128425.2); c.563T>G, p.Met188Arg (NM_001293190.2); c.551T>G, p.Met184Arg (NM_001293191.2, NM_001407069.1, NM_001407077.1); c.242T>G, p.Met81Arg (NM_001293192.2, NM_001293196.2, NM_001407091.1); c.173T>G, p.Met58Arg (NM_001350650.2, NM_001350651.2, NM_001407082.1); c.434T>G, p.Met145Arg (NM_001407075.1); and 5 more; short protein forms M160R, M180R, M184R, M198R, M145R, M159R, M187R, M188R.
Identifiers: ClinVar variation 2107694 (VCV002107694.4), dbSNP rs1553128600, ClinGen allele CA340135417.